The following is an entry in ClinVar:

ClinVar aggregate classification (germline): Uncertain significance (1 of 4 stars; one submission).

Allele frequency attached by ClinVar (database versions not stated): gnomAD exomes below 0.00001.
gnomAD v4.1: 4 of 1,612,796 alleles (0.00025%); highest among the groups gnomAD compares: East Asian, 0.0022%; no homozygotes.

Submission:

Labcorp Genetics (formerly Invitae), Labcorp
Classification: Uncertain significance. Last evaluated: 2023-04-22. Review status: criteria provided, single submitter. Criteria: Invitae Variant Classification Sherloc (09022015). Collection method: clinical testing. Allele origin: germline.
Comment: This sequence change replaces methionine, which is neutral and non-polar, with threonine, which is neutral and polar, at codon 479 of the MKL1 protein (p.Met479Thr). This variant is not present in population databases (gnomAD no frequency). This variant has not been reported in the literature in individuals affected with MKL1-related conditions. Algorithms developed to predict the effect of missense changes on protein structure and function output the following: SIFT: "Not Available"; PolyPhen-2: "Possibly Damaging"; Align-GVGD: "Not Available". The threonine amino acid residue is found in multiple mammalian species, which suggests that this missense change does not adversely affect protein function. In summary, the available evidence is currently insufficient to determine the role of this variant in disease. Therefore, it has been classified as a Variant of Uncertain Significance.

NM_020831.6(MRTFA):c.1736T>C (p.Met579Thr)

Gene: MRTFA (myocardin related transcription factor A; minus strand). Cytogenetic location: 22q13.1.
Variant type: single nucleotide variant.
Coding change: c.1736T>C on transcript NM_020831.6 (MANE Select); coding-DNA position 1736, T replaced by C.
Protein change: p.Met579Thr; replaces methionine 579 with threonine.
Molecular consequence: missense variant.
Genome position (GRCh38, 1-based): chr22:40,419,002, A>G on the plus strand (T>C on the coding strand, the complement: MRTFA is on the minus strand). VCF-style: chr22-40419002-A-G. GRCh37 (hg19) VCF-style: chr22-40815006-A-G.
Other names: c.1436T>C, p.Met479Thr (NM_001282660.2); c.1586T>C, p.Met529Thr (NM_001282661.3); c.1736T>C, p.Met579Thr (NM_001282662.3); c.1541T>C, p.Met514Thr (NM_001318139.2); short protein forms M514T, M479T, M579T, M529T.
Identifiers: ClinVar variation 2973280 (VCV002973280.3), dbSNP rs2052761358, ClinGen allele CA411660770.